The following is an entry in ClinVar:

NM_020312.4(COQ9):c.240C>G (p.Pro80=)

Gene: COQ9 (coenzyme Q9; plus strand). Cytogenetic location: 16q21.
Variant type: single nucleotide variant.
Coding change: c.240C>G on transcript NM_020312.4 (MANE Select); coding-DNA position 240, C replaced by G.
Protein change: p.Pro80=; no amino-acid change (proline 80 retained).
Molecular consequence: synonymous variant.
Genome position (GRCh38, 1-based): chr16:57,451,206, C>G. VCF-style: chr16-57451206-C-G. GRCh37 (hg19) VCF-style: chr16-57485118-C-G.
Identifiers: ClinVar variation 320005 (VCV000320005.14), dbSNP rs2301773, ClinGen allele CA8076121.

ClinVar aggregate classification (germline): Benign/Likely benign. Review status: criteria provided, multiple submitters, no conflicts (2 of 4 stars). 2 submissions from 2 submitters: Benign (1); Likely benign (1). Last evaluated 2025-12-11.

Conditions:
Encephalopathy-hypertrophic cardiomyopathy-renal tubular disease syndrome. Identifiers: Orphanet 319678, MedGen C3553374, MONDO:0013840, OMIM 614654.

Allele frequency attached by ClinVar (database versions not stated): gnomAD 0.00003; TOPMed 0.00006; gnomAD exomes 0.00023; 1000 Genomes Project 30x 0.00031; ExAC 0.00039; 1000 Genomes Project 0.00040.
gnomAD v4.1: 626 of 1,614,226 alleles (0.039%); highest among the groups gnomAD compares: East Asian, 1.4%; 7 homozygotes.

Submissions (2):

Labcorp Genetics (formerly Invitae), Labcorp
Classification: Benign. Last evaluated: 2025-12-11. Review status: criteria provided, single submitter. Criteria: Invitae Variant Classification Sherloc (09022015). Collection method: clinical testing. Allele origin: germline.

Illumina Laboratory Services, Illumina
Classification: Likely benign for Encephalopathy-hypertrophic cardiomyopathy-renal tubular disease syndrome. Last evaluated: 2018-01-12. Review status: criteria provided, single submitter. Criteria: ICSL Variant Classification Criteria 13 December 2019. Collection method: clinical testing. Allele origin: germline.
Comment: This variant was observed in the ICSL laboratory as part of a predisposition screen in an ostensibly healthy population. It had not been previously curated by ICSL or reported in the Human Gene Mutation Database (HGMD: prior to June 1st, 2018), and was therefore a candidate for classification through an automated scoring system. Utilizing variant allele frequency, disease prevalence and penetrance estimates, and inheritance mode, an automated score was calculated to assess if this variant is too frequent to cause the disease. Based on the score and internal cut-off values, a variant classified as likely benign is not then subjected to further curation. The score for this variant resulted in a classification of likely benign for this disease.